The following is an entry in ClinVar:

ClinVar aggregate classification (germline): Uncertain significance. Review status: criteria provided, multiple submitters, no conflicts (2 of 4 stars). 2 submissions from 2 submitters: Uncertain significance (2). Last evaluated 2024-10-01.

Conditions:
Hereditary cancer-predisposing syndrome. Also called: Hereditary neoplastic syndrome; Tumor predisposition; Neoplastic Syndromes, Hereditary; Hereditary Cancer Syndrome. Identifiers: Orphanet 140162, MedGen C0027672, MeSH D009386, MONDO:0015356.

Submissions (2):

Ambry Genetics
Classification: Uncertain significance for Hereditary cancer-predisposing syndrome. Last evaluated: 2024-10-01. Review status: criteria provided, single submitter. Criteria: Ambry Variant Classification Scheme 2023. Collection method: clinical testing. Allele origin: germline.
Comment: The p.R736T variant (also known as c.2207G>C), located in coding exon 13 of the RAD50 gene, results from a G to C substitution at nucleotide position 2207. The amino acid change results in arginine to threonine at codon 736, an amino acid with similar properties. However, this change occurs in the last base pair of coding exon 13, which makes it likely to have some effect on normal mRNA splicing. This nucleotide position is highly conserved in available vertebrate species. This amino acid position is highly conserved in available vertebrate species. In silico splice site analysis for this alteration is inconclusive. In addition, as a missense substitution this is predicted to be inconclusive by in silico analysis. Based on the available evidence, the clinical significance of this variant remains unclear.

Labcorp Genetics (formerly Invitae), Labcorp
Classification: Uncertain significance for Hereditary cancer-predisposing syndrome. Last evaluated: 2018-08-04. Review status: criteria provided, single submitter. Criteria: Invitae Variant Classification Sherloc (09022015). Collection method: clinical testing. Allele origin: germline.
Comment: This sequence change replaces arginine with threonine at codon 736 of the RAD50 protein (p.Arg736Thr). The arginine residue is moderately conserved and there is a moderate physicochemical difference between arginine and threonine. This variant also falls at the last nucleotide of exon 13 of the RAD50 coding sequence, which is part of the consensus splice site for this exon. This variant is not present in population databases (ExAC no frequency). This variant has not been reported in the literature in individuals with RAD50-related disease. Algorithms developed to predict the effect of missense changes on protein structure and function (SIFT, PolyPhen-2, Align-GVGD) all suggest that this variant is likely to be tolerated, but these predictions have not been confirmed by published functional studies and their clinical significance is uncertain. Nucleotide substitutions within the consensus splice site are a relatively common cause of aberrant splicing (PMID: 17576681, 9536098). Algorithms developed to predict the effect of sequence changes on RNA splicing suggest that this variant may disrupt the consensus splice site, but this prediction has not been confirmed by published transcriptional studies. In summary, the available evidence is currently insufficient to determine the role of this variant in disease. Therefore, it has been classified as a Variant of Uncertain Significance.

Literature cited by the submitters: PubMed 17576681 (cited by Labcorp Genetics (formerly Invitae), Labcorp); PubMed 9536098 (cited by Labcorp Genetics (formerly Invitae), Labcorp).

NM_005732.4(RAD50):c.2207G>C (p.Arg736Thr)

Gene: RAD50 (RAD50 double strand break repair protein; plus strand). Cytogenetic location: 5q31.1.
Variant type: single nucleotide variant.
Coding change: c.2207G>C on transcript NM_005732.4 (MANE Select); coding-DNA position 2207, G replaced by C.
Protein change: p.Arg736Thr; replaces arginine 736 with threonine.
Molecular consequence: missense variant.
Genome position (GRCh38, 1-based): chr5:132,595,810, G>C. VCF-style: chr5-132595810-G-C. GRCh37 (hg19) VCF-style: chr5-131931502-G-C.
Other names: short protein forms R736T.
Identifiers: ClinVar variation 570458 (VCV000570458.15), dbSNP rs1211265356, ClinGen allele CA360950940.